The following is an entry in ClinVar:

ClinVar aggregate classification (germline): Uncertain significance (1 of 4 stars; one submission).

Conditions:
Familial hypercholesterolemia. Also called: Familial hypercholesterolaemia. Identifiers: MedGen C0020445, MONDO:0005439.

gnomAD v4.1: 1 of 1,554,310 alleles (0.000064%); highest among the groups gnomAD compares: Non-Finnish European, 0.000087%; no homozygotes.

Submission:

Color Diagnostics, LLC DBA Color Health
Classification: Uncertain significance for Familial hypercholesterolemia. Last evaluated: 2024-07-08. Review status: criteria provided, single submitter. Criteria: ACMG Guidelines, 2015. Collection method: clinical testing. Allele origin: germline.
Comment: This missense variant replaces alanine with valine at codon 532 of the PCSK9 protein. Computational prediction tools indicate that this variant has a neutral impact on protein structure and function. To our knowledge, functional studies have not been reported for this variant. This variant has not been reported in individuals affected with PCSK9-related disorders in the literature. This variant has not been identified in the general population by the Genome Aggregation Database (gnomAD). The available evidence is insufficient to determine the role of this variant in disease conclusively. Therefore, this variant is classified as a Variant of Uncertain Significance.

NM_174936.4(PCSK9):c.1595C>T (p.Ala532Val)

Gene: PCSK9 (proprotein convertase subtilisin/kexin type 9; plus strand). Cytogenetic location: 1p32.3.
Variant type: single nucleotide variant.
Coding change: c.1595C>T on transcript NM_174936.4 (MANE Select); coding-DNA position 1595, C replaced by T.
Protein change: p.Ala532Val; replaces alanine 532 with valine.
Molecular consequence: missense variant. On other transcripts: non-coding transcript variant (7), intron variant (1).
Genome position (GRCh38, 1-based): chr1:55,059,577, C>T. VCF-style: chr1-55059577-C-T. GRCh37 (hg19) VCF-style: chr1-55525250-C-T.
Other names: c.1718C>T, p.Ala573Val (NM_001407240.1); c.1637C>T, p.Ala546Val (NM_001407241.1); c.1598C>T, p.Ala533Val (NM_001407242.1); c.1538C>T, p.Ala513Val (NM_001407243.1); c.1421C>T, p.Ala474Val (NM_001407244.1); c.1403C>T, p.Ala468Val (NM_001407245.1); c.1220C>T, p.Ala407Val (NM_001407246.1); c.1181-1798C>T (NM_001407247.1); short protein forms A407V, A468V, A474V, A513V, A532V, A533V, A546V, A573V.
Identifiers: ClinVar variation 3894367 (VCV003894367.1).